The following is an entry in ClinVar:

ClinVar aggregate classification (germline): Uncertain significance (1 of 4 stars; one submission).

Allele frequency attached by ClinVar (database versions not stated): gnomAD 0.00001; TOPMed 0.00001; ExAC 0.00002; gnomAD exomes 0.00003; ESP Exome Variant Server 0.00008.
gnomAD v4.1: 45 of 1,614,014 alleles (0.0028%); highest among the groups gnomAD compares: East Asian, 0.0067%; no homozygotes.

Submission:

Labcorp Genetics (formerly Invitae), Labcorp
Classification: Uncertain significance. Last evaluated: 2025-11-03. Review status: criteria provided, single submitter. Criteria: Invitae Variant Classification Sherloc (09022015). Collection method: clinical testing. Allele origin: germline.
Comment: This sequence change replaces threonine, which is neutral and polar, with methionine, which is neutral and non-polar, at codon 494 of the LIG1 protein (p.Thr494Met). This variant is present in population databases (rs150334649, gnomAD 0.01%). This variant has not been reported in the literature in individuals affected with LIG1-related conditions. ClinVar contains an entry for this variant (Variation ID: 1982773). An algorithm developed to predict the effect of missense changes on protein structure and function outputs the following: PolyPhen-2: "Benign". The methionine amino acid residue is found in multiple mammalian species, which suggests that this missense change does not adversely affect protein function. In summary, the available evidence is currently insufficient to determine the role of this variant in disease. Therefore, it has been classified as a Variant of Uncertain Significance.

NM_000234.3(LIG1):c.1481C>T (p.Thr494Met)

Gene: LIG1 (DNA ligase 1; minus strand). Cytogenetic location: 19q13.33.
Variant type: single nucleotide variant.
Coding change: c.1481C>T on transcript NM_000234.3 (MANE Select); coding-DNA position 1481, C replaced by T.
Protein change: p.Thr494Met; replaces threonine 494 with methionine.
Molecular consequence: missense variant. On other transcripts: non-coding transcript variant (6).
Genome position (GRCh38, 1-based): chr19:48,135,722, G>A on the plus strand (C>T on the coding strand, the complement: LIG1 is on the minus strand). VCF-style: chr19-48135722-G-A. GRCh37 (hg19) VCF-style: chr19-48638979-G-A.
Other names: c.1388C>T, p.Thr463Met (NM_001289063.2); c.1277C>T, p.Thr426Met (NM_001289064.2); c.1478C>T, p.Thr493Met (NM_001320970.2); c.1391C>T, p.Thr464Met (NM_001320971.2); short protein forms T494M, T464M, T426M, T493M, T463M.
Identifiers: ClinVar variation 1982773 (VCV001982773.4), dbSNP rs150334649, ClinGen allele CA9546808.